The following is an entry in ClinVar:

NM_003722.5(TP63):c.1607A>T (p.His536Leu)

Gene: TP63 (tumor protein p63; plus strand). Cytogenetic location: 3q28.
Variant type: single nucleotide variant.
Coding change: c.1607A>T on transcript NM_003722.5 (MANE Select); coding-DNA position 1607, A replaced by T.
Protein change: p.His536Leu; replaces histidine 536 with leucine.
Molecular consequence: missense variant. On other transcripts: intron variant (4).
Genome position (GRCh38, 1-based): chr3:189,889,439, A>T. VCF-style: chr3-189889439-A-T. GRCh37 (hg19) VCF-style: chr3-189607228-A-T.
Other names: c.1607A>T, p.His536Leu (NM_001114978.2); c.1325A>T, p.His442Leu (NM_001114980.2, NM_001114981.2); c.1070A>T, p.His357Leu (NM_001329146.2); c.1595A>T, p.His532Leu (NM_001329148.2); c.1601A>T, p.His534Leu (NM_001329964.2); c.1507+2888A>T (NM_001329144.2); c.1225+2888A>T (NM_001329145.2); c.1213+2888A>T (NM_001329149.2); and 1 more; short protein forms H532L, H357L, H442L, H534L, H536L.
Identifiers: ClinVar variation 2868923 (VCV002868923.2), dbSNP rs1720793336, ClinGen allele CA355758508.
Genomic context (GRCh38, chr3:189,889,439, plus strand): 5'-TGAATGGACTCAGCCCCACCCAGGCACTCCCTCCCCCACTCTCCATGCCATCCACCTCCC[A>T]CTGCACACCCCCACCTCCGTATCCCACAGATTGCAGCATTGTCAGGTGAGTCCACAGCAT-3'
Protein context (NP_003713.3, residues 526-546): PPPLSMPSTS[His536Leu]CTPPPPYPTD

ClinVar aggregate classification (germline): Uncertain significance (1 of 4 stars; one submission).

Conditions:
TP63-Related Spectrum Disorders.

Allele frequency attached by ClinVar (database versions not stated): gnomAD exomes below 0.00001.
gnomAD v4.1: 1 of 1,613,088 alleles (0.000062%); highest among the groups gnomAD compares: Non-Finnish European, 0.000085%; no homozygotes.

Submission:

Labcorp Genetics (formerly Invitae), Labcorp
Classification: Uncertain significance. Last evaluated: 2023-09-24. Review status: criteria provided, single submitter. Criteria: Invitae Variant Classification Sherloc (09022015). Collection method: clinical testing. Allele origin: germline.
Comment: This variant has not been reported in the literature in individuals affected with TP63-related conditions. In summary, the available evidence is currently insufficient to determine the role of this variant in disease. Therefore, it has been classified as a Variant of Uncertain Significance. Advanced modeling of protein sequence and biophysical properties (such as structural, functional, and spatial information, amino acid conservation, physicochemical variation, residue mobility, and thermodynamic stability) has been performed at Invitae for this missense variant, however the output from this modeling did not meet the statistical confidence thresholds required to predict the impact of this variant on TP63 protein function. This variant is not present in population databases (gnomAD no frequency). This sequence change replaces histidine, which is basic and polar, with leucine, which is neutral and non-polar, at codon 536 of the TP63 protein (p.His536Leu).